The following is an entry in ClinVar:

NM_080680.3(COL11A2):c.5084G>A (p.Arg1695Gln)

Gene: COL11A2 (collagen type XI alpha 2 chain; minus strand). Cytogenetic location: 6p21.32.
Variant type: single nucleotide variant.
Coding change: c.5084G>A on transcript NM_080680.3 (MANE Select); coding-DNA position 5084, G replaced by A.
Protein change: p.Arg1695Gln; replaces arginine 1695 with glutamine.
Molecular consequence: missense variant.
Genome position (GRCh38, 1-based): chr6:33,163,805, C>T on the plus strand (G>A on the coding strand, the complement: COL11A2 is on the minus strand). VCF-style: chr6-33163805-C-T. GRCh37 (hg19) VCF-style: chr6-33131582-C-T.
Other names: c.4763G>A, p.Arg1588Gln (NM_080679.3); c.4826G>A, p.Arg1609Gln (NM_080681.3); short protein forms R1695Q, R1609Q, R1588Q.
Identifiers: ClinVar variation 505075 (VCV000505075.18), dbSNP rs781633250, ClinGen allele CA3749908.
Genomic context (GRCh38, chr6:33,163,805, plus strand): 5'-AAGGAGGCATCCAGCACTGGCAGCTGCTCCAGCACAGGCGTTCGCACCTCCAGCACCGTC[C>T]GGCCTTGCTGTGTCTTCAGGGGGAGACAAGGAAGAAAGTGTGAGCAGGATGGAGGCACCC-3'
Protein context (NP_542411.2, residues 1685-1705): FRDGCQTQQG[Arg1695Gln]TVLEVRTPVL

ClinVar aggregate classification (germline): Conflicting classifications of pathogenicity. Review status: criteria provided, conflicting classifications (1 of 4 stars). 7 submissions from 5 submitters: Uncertain significance (5); Likely benign (2). Last evaluated 2025-12-02.

Conditions:
Otospondylomegaepiphyseal dysplasia, autosomal dominant (OSMEDA). Also called: Stickler syndrome, type 3; COL11A2-Related Stickler Syndrome; Pierre Robin syndrome with fetal chondrodysplasia. Identifiers: Orphanet 166100, Orphanet 3450, MedGen C1848488, MONDO:0008490, OMIM 184840.
Otospondylomegaepiphyseal dysplasia, autosomal recessive (OSMEDB). Also called: CHONDRODYSTROPHY WITH SENSORINEURAL DEAFNESS; Insley-Astley syndrome. Identifiers: Orphanet 1427, MedGen CN034493, MONDO:0044206, OMIM 215150.
Fibrochondrogenesis 2 (FBCG2). Identifiers: Orphanet 2021, MedGen C3281128, MONDO:0013795, OMIM 614524.

Allele frequency attached by ClinVar (database versions not stated): ExAC 0.00002; TOPMed 0.00002; gnomAD exomes 0.00003; gnomAD 0.00001.
gnomAD v4.1: 26 of 1,612,882 alleles (0.0016%); highest among the groups gnomAD compares: Middle Eastern, 0.016%; no homozygotes.

Submissions (7):

Labcorp Genetics (formerly Invitae), Labcorp
Classification: Likely benign. Last evaluated: 2025-12-02. Review status: criteria provided, single submitter. Criteria: Invitae Variant Classification Sherloc (09022015). Collection method: clinical testing. Allele origin: germline.

Blueprint Genetics
Classification: Uncertain significance. Last evaluated: 2024-05-21. Review status: criteria provided, single submitter. Criteria: ACMG Guidelines, 2015. Collection method: clinical testing. Allele origin: germline.

GeneDx
Classification: Uncertain significance. Last evaluated: 2021-07-22. Review status: criteria provided, single submitter. Criteria: GeneDx Variant Classification Process June 2021. Collection method: clinical testing. Allele origin: germline. Affected: yes.
Comment: In silico analysis, which includes protein predictors and evolutionary conservation, supports that this variant does not alter protein structure/function; Has not been previously published as pathogenic or benign to our knowledge

Illumina Laboratory Services, Illumina
Classification: Likely benign for Otospondylomegaepiphyseal dysplasia, autosomal recessive. Last evaluated: 2018-01-13. Review status: criteria provided, single submitter. Criteria: ICSL Variant Classification Criteria 13 December 2019. Collection method: clinical testing. Allele origin: germline.
Comment: This variant was observed in the ICSL laboratory as part of a predisposition screen in an ostensibly healthy population. It had not been previously curated by ICSL or reported in the Human Gene Mutation Database (HGMD: prior to June 1st, 2018), and was therefore a candidate for classification through an automated scoring system. Utilizing variant allele frequency, disease prevalence and penetrance estimates, and inheritance mode, an automated score was calculated to assess if this variant is too frequent to cause the disease. Based on the score and internal cut-off values, a variant classified as likely benign is not then subjected to further curation. The score for this variant resulted in a classification of likely benign for this disease.

Illumina Laboratory Services, Illumina
Classification: Uncertain significance for Otospondylomegaepiphyseal dysplasia, autosomal dominant. Last evaluated: 2018-01-13. Review status: criteria provided, single submitter. Criteria: ICSL Variant Classification Criteria 13 December 2019. Collection method: clinical testing. Allele origin: germline.

Illumina Laboratory Services, Illumina
Classification: Uncertain significance for Fibrochondrogenesis 2. Last evaluated: 2018-01-13. Review status: criteria provided, single submitter. Criteria: ICSL Variant Classification Criteria 13 December 2019. Collection method: clinical testing. Allele origin: germline.

Laboratory for Molecular Medicine, Mass General Brigham Personalized Medicine
Classification: Uncertain significance. Last evaluated: 2016-06-02. Review status: criteria provided, single submitter. Criteria: LMM Criteria. Collection method: clinical testing. Allele origin: germline. Observed: 2 variant alleles.
Comment: The p.Arg1695Gln variant in COL11A2 has not been previously reported in individu als with hearing loss or Stickler syndrome. This variant has been identified in 2/63268 of European chromosomes by the Exome Aggregation Consortium (ExAC; dbSNP rs781633250); however, its frequency is not hi gh enough to rule out a pathogenic role. Computational prediction tools and cons ervation analyses do not provide strong support for or against an impact to the protein. In summary, the clinical significance of the p.Arg1695Gln variant is un certain.